The following is an entry in ClinVar:

ClinVar aggregate classification (germline): Conflicting classifications of pathogenicity. Review status: criteria provided, conflicting classifications (1 of 4 stars). 7 submissions from 7 submitters: Uncertain significance (3); Benign (1); Likely benign (2). 1 of the submissions does not count toward it. Last evaluated 2026-01-20.

Conditions:
ODAD2-related disorder. Also called: ODAD2-related condition.
Primary ciliary dyskinesia 23 (CILD23). Also called: CILIARY DYSKINESIA, PRIMARY, 23, WITH OR WITHOUT SITUS INVERSUS. Identifiers: Orphanet 244, MedGen C3809548, MONDO:0014193, OMIM 615451.
Primary ciliary dyskinesia. Also called: Ciliary dyskinesia. Identifiers: Orphanet 244, MedGen C0008780, MONDO:0016575, HP:0012265.

Allele frequency attached by ClinVar (database versions not stated): gnomAD exomes 0.00250 and 0.00209; ESP Exome Variant Server 0.00269; 1000 Genomes Project 30x 0.00031; 1000 Genomes Project 0.00040; gnomAD 0.00196 and 0.00205; ExAC 0.00199; TOPMed 0.00207.
gnomAD v4.1: 3,939 of 1,613,984 alleles (0.24%); highest among the groups gnomAD compares: Middle Eastern, 0.53%; 8 homozygotes.

Submissions (8):

Labcorp Genetics (formerly Invitae), Labcorp
Classification: Likely benign for Primary ciliary dyskinesia 23. Last evaluated: 2026-01-20. Review status: criteria provided, single submitter. Criteria: Invitae Variant Classification Sherloc (09022015). Collection method: clinical testing. Allele origin: germline.

GeneDx
Classification: Uncertain significance. Last evaluated: 2025-11-13. Review status: criteria provided, single submitter. Criteria: GeneDx Variant Classification Process June 2021. Collection method: clinical testing. Allele origin: germline.
Comment: Reported without a second variant in a patient with Kartagener syndrome who harbored variants in other genes (PMID: 29402277); In silico analysis supports that this missense variant has a deleterious effect on protein structure/function; This variant is associated with the following publications: (PMID: 29402277)

Blueprint Genetics
Classification: Likely benign. Last evaluated: 2024-11-21. Review status: criteria provided, single submitter. Criteria: ACMG Guidelines, 2015. Collection method: clinical testing. Allele origin: germline.

Mayo Clinic Laboratories, Mayo Clinic
Classification: Uncertain significance. Last evaluated: 2023-08-15. Review status: criteria provided, single submitter. Criteria: ACMG Guidelines, 2015. Collection method: clinical testing. Allele origin: germline. Observed: 1 variant allele.

CeGaT Center for Human Genetics Tuebingen
Classification: Uncertain significance. Last evaluated: 2021-06-01. Review status: criteria provided, single submitter. Criteria: CeGaT Center For Human Genetics Tuebingen Variant Classification Criteria Version 2. Collection method: clinical testing. Allele origin: germline. Affected: yes. Observed: 1 variant allele.

Ambry Genetics
Classification: Benign for Primary ciliary dyskinesia. Last evaluated: 2017-04-13. Review status: criteria provided, single submitter. Criteria: Ambry Variant Classification Scheme 2023. Collection method: clinical testing. Allele origin: germline.

PreventionGenetics, part of Exact Sciences
Classification: Likely benign for ODAD2-related condition. Last evaluated: 2020-05-08. Review status: no assertion criteria provided. Collection method: clinical testing. Allele origin: germline. Not counted in ClinVar's aggregate classification.
Comment: This variant is classified as likely benign based on ACMG/AMP sequence variant interpretation guidelines (Richards et al. 2015 PMID: 25741868, with internal and published modifications).

Dr. Peter K. Rogan Lab, Western University
No classification provided (evidence only). Condition: Malignant tumor of urinary bladder. Review status: no classification provided. Collection method: in vitro. Allele origin: not applicable. Functional consequence: retained intron. Not counted in ClinVar's aggregate classification.

NM_018076.5(ODAD2):c.2342G>T (p.Gly781Val)

Gene: ODAD2 (outer dynein arm docking complex subunit 2; minus strand). Cytogenetic location: 10p12.1.
Variant type: single nucleotide variant.
Coding change: c.2342G>T on transcript NM_018076.5 (MANE Select); coding-DNA position 2342, G replaced by T.
Protein change: p.Gly781Val; replaces glycine 781 with valine.
Molecular consequence: missense variant.
Genome position (GRCh38, 1-based): chr10:27,935,163, C>A on the plus strand (G>T on the coding strand, the complement: ODAD2 is on the minus strand). VCF-style: chr10-27935163-C-A. GRCh37 (hg19) VCF-style: chr10-28224092-C-A.
Other names: p.Gly781Val; c.2342G>T, p.Gly781Val (NM_001290020.2); c.917G>T, p.Gly306Val (NM_001290021.2); c.1418G>T, p.Gly473Val (NM_001312689.2); c.2342G>T (NM_018076.3, NM_018076.4); short protein forms G781V, G306V, G473V.
Identifiers: ClinVar variation 221004 (VCV000221004.54), dbSNP rs145619075, ClinGen allele CA350433.